The following is an entry in ClinVar:

NM_004360.5(CDH1):c.1861C>T (p.Pro621Ser)

Gene: CDH1 (cadherin 1; plus strand). Cytogenetic location: 16q22.1.
Variant type: single nucleotide variant.
Coding change: c.1861C>T on transcript NM_004360.5 (MANE Select); coding-DNA position 1861, C replaced by T.
Protein change: p.Pro621Ser; replaces proline 621 with serine.
Molecular consequence: missense variant. On other transcripts: 5 prime UTR variant (1).
Genome position (GRCh38, 1-based): chr16:68,822,150, C>T. VCF-style: chr16-68822150-C-T. GRCh37 (hg19) VCF-style: chr16-68856053-C-T.
Other names: c.1678C>T, p.Pro560Ser (NM_001317184.2); c.313C>T, p.Pro105Ser (NM_001317185.2); c.-105C>T (NM_001317186.2); short protein forms P560S, P105S, P621S.
Identifiers: ClinVar variation 922217 (VCV000922217.15), dbSNP rs1961165024, ClinGen allele CA396467048.

ClinVar aggregate classification (germline): Uncertain significance. Review status: criteria provided, multiple submitters, no conflicts (2 of 4 stars). 3 submissions from 3 submitters: Uncertain significance (3). Last evaluated 2023-12-05.

Conditions:
Hereditary cancer-predisposing syndrome. Also called: Hereditary Cancer Syndrome; Hereditary neoplastic syndrome; Neoplastic Syndromes, Hereditary; Tumor predisposition. Identifiers: Orphanet 140162, MedGen C0027672, MeSH D009386, MONDO:0015356.
Hereditary diffuse gastric adenocarcinoma (HDGC). Also called: DIFFUSE GASTRIC AND LOBULAR BREAST CANCER SYNDROME. Identifiers: Orphanet 26106, MedGen C1708349, MONDO:0007648, OMIM 137215.

Submissions (3):

Color Diagnostics, LLC DBA Color Health
Classification: Uncertain significance for Hereditary cancer-predisposing syndrome. Last evaluated: 2023-12-05. Review status: criteria provided, single submitter. Criteria: ACMG Guidelines, 2015. Collection method: clinical testing. Allele origin: germline.
Comment: This missense variant replaces proline with serine at codon 621 of the CDH1 protein. To our knowledge, functional studies have not been reported for this variant. This variant has not been reported in individuals affected with CDH1-related disorders in the literature. This variant has not been identified in the general population by the Genome Aggregation Database (gnomAD). The available evidence is insufficient to determine the role of this variant in disease conclusively. Therefore, this variant is classified as a Variant of Uncertain Significance.

Quest Diagnostics Nichols Institute San Juan Capistrano
Classification: Uncertain significance. Last evaluated: 2022-12-08. Review status: criteria provided, single submitter. Criteria: Quest Diagnostics criteria. Collection method: clinical testing. Allele origin: unknown.
Comment: The variant has not been reported in the published literature. It also has not been reported in large, multi-ethnic general populations. Analysis of this variant using bioinformatics tools for the prediction of the effect of amino acid changes on protein structure and function yielded conflicting predictions that this variant is benign or damaging. Based on the available information, we are unable to determine the clinical significance of this variant.

Labcorp Genetics (formerly Invitae), Labcorp
Classification: Uncertain significance for Hereditary diffuse gastric adenocarcinoma. Last evaluated: 2020-03-03. Review status: criteria provided, single submitter. Criteria: Invitae Variant Classification Sherloc (09022015). Collection method: clinical testing. Allele origin: germline.
Comment: In summary, the available evidence is currently insufficient to determine the role of this variant in disease. Therefore, it has been classified as a Variant of Uncertain Significance. Algorithms developed to predict the effect of missense changes on protein structure and function are either unavailable or do not agree on the potential impact of this missense change (SIFT: "Tolerated"; PolyPhen-2: "Possibly Damaging"; Align-GVGD: "Class C0"). This variant has not been reported in the literature in individuals with CDH1-related conditions. This sequence change replaces proline with serine at codon 621 of the CDH1 protein (p.Pro621Ser). The proline residue is highly conserved and there is a moderate physicochemical difference between proline and serine. This variant is not present in population databases (ExAC no frequency).